The following is an entry in ClinVar:

NM_000891.3(KCNJ2):c.158A>G (p.His53Arg)

Gene: KCNJ2 (potassium inwardly rectifying channel subfamily J member 2; plus strand). Cytogenetic location: 17q24.3.
Variant type: single nucleotide variant.
Coding change: c.158A>G on transcript NM_000891.3 (MANE Select); coding-DNA position 158, A replaced by G.
Protein change: p.His53Arg; replaces histidine 53 with arginine.
Molecular consequence: missense variant.
Genome position (GRCh38, 1-based): chr17:70,175,197, A>G. VCF-style: chr17-70175197-A-G. GRCh37 (hg19) VCF-style: chr17-68171338-A-G.
Other names: short protein forms H53R.
Identifiers: ClinVar variation 640748 (VCV000640748.9), dbSNP rs1598211051, ClinGen allele CA400859995.

ClinVar aggregate classification (germline): Uncertain significance. Review status: criteria provided, multiple submitters, no conflicts (2 of 4 stars). 2 submissions from 2 submitters: Uncertain significance (2). Last evaluated 2025-12-17.

Conditions:
Cardiovascular phenotype. Identifiers: MedGen CN230736.
Andersen Tawil syndrome (LQT7). Also called: LONG QT SYNDROME 7; PERIODIC PARALYSIS, POTASSIUM-SENSITIVE CARDIODYSRHYTHMIC TYPE; ANDERSEN CARDIODYSRHYTHMIC PERIODIC PARALYSIS; Potassium-sensitive periodic paralysis, ventricular ectopy, and dysmorphic features; Andersen Syndrome. Identifiers: Orphanet 37553, MedGen C1563715, MONDO:0008222, OMIM 170390.
Short QT syndrome type 3. Identifiers: Orphanet 51083, MedGen C1865018, MONDO:0012314, OMIM 609622.

Submissions (2):

Labcorp Genetics (formerly Invitae), Labcorp
Classification: Uncertain significance for Short QT syndrome type 3; Andersen Tawil syndrome. Last evaluated: 2025-12-17. Review status: criteria provided, single submitter. Criteria: Invitae Variant Classification Sherloc (09022015). Collection method: clinical testing. Allele origin: germline.
Comment: This sequence change replaces histidine, which is basic and polar, with arginine, which is basic and polar, at codon 53 of the KCNJ2 protein (p.His53Arg). This variant is not present in population databases (gnomAD no frequency). This variant has not been reported in the literature in individuals affected with KCNJ2-related conditions. ClinVar contains an entry for this variant (Variation ID: 640748). Invitae Evidence Modeling of protein sequence and biophysical properties (such as structural, functional, and spatial information, amino acid conservation, physicochemical variation, residue mobility, and thermodynamic stability) indicates that this missense variant is not expected to disrupt KCNJ2 protein function with a negative predictive value of 95%. In summary, the available evidence is currently insufficient to determine the role of this variant in disease. Therefore, it has been classified as a Variant of Uncertain Significance.

Ambry Genetics
Classification: Uncertain significance for Cardiovascular phenotype. Last evaluated: 2025-12-05. Review status: criteria provided, single submitter. Criteria: Ambry Variant Classification Scheme 2023. Collection method: clinical testing. Allele origin: germline.
Comment: The p.H53R variant (also known as c.158A>G), located in coding exon 1 of the KCNJ2 gene, results from an A to G substitution at nucleotide position 158. The histidine at codon 53 is replaced by arginine, an amino acid with highly similar properties. This amino acid position is highly conserved in available vertebrate species. In addition, the in silico prediction for this alteration is inconclusive. Based on the available evidence, the clinical significance of this variant remains unclear.